The following is an entry in ClinVar:

NM_001283009.2(RTEL1):c.1376G>C (p.Ser459Thr)

Genes: RTEL1 (regulator of telomere elongation helicase 1; plus strand), RTEL1-TNFRSF6B (RTEL1-TNFRSF6B readthrough (NMD candidate); plus strand). Cytogenetic location: 20q13.33.
Variant type: single nucleotide variant.
Coding change: c.1376G>C on transcript NM_001283009.2 (MANE Select); coding-DNA position 1376, G replaced by C.
Protein change: p.Ser459Thr; replaces serine 459 with threonine.
Molecular consequence: missense variant. On other transcripts: non-coding transcript variant (1).
Genome position (GRCh38, 1-based): chr20:63,687,665, G>C. VCF-style: chr20-63687665-G-C. GRCh37 (hg19) VCF-style: chr20-62319018-G-C.
Other names: c.707G>C, p.Ser236Thr (NM_001283010.1); c.1376G>C, p.Ser459Thr (NM_016434.4); c.1448G>C, p.Ser483Thr (NM_032957.5); short protein forms S483T, S459T, S236T.
Identifiers: ClinVar variation 4629620 (VCV004629620.1).

ClinVar aggregate classification (germline): Uncertain significance (1 of 4 stars; one submission).

Conditions:
Inborn genetic diseases. Identifiers: MedGen C0950123, MeSH D030342.

gnomAD v4.1: 1 of 1,609,582 alleles (0.000062%); highest among the groups gnomAD compares: Non-Finnish European, 0.000085%; no homozygotes.

Submission:

Ambry Genetics
Classification: Uncertain significance for Inborn genetic diseases. Last evaluated: 2025-11-23. Review status: criteria provided, single submitter. Criteria: Ambry Variant Classification Scheme 2023. Collection method: clinical testing. Allele origin: germline.
Comment: The p.S459T variant (also known as c.1376G>C), located in coding exon 16 of the RTEL1 gene, results from a G to C substitution at nucleotide position 1376. The serine at codon 459 is replaced by threonine, an amino acid with similar properties. This amino acid position is conserved. In addition, the in silico prediction for this alteration is inconclusive. Based on the available evidence, the clinical significance of this variant remains unclear.